The following is an entry in ClinVar:

NM_001128431.4(SLC39A14):c.58G>T (p.Gly20Cys)

Gene: SLC39A14 (solute carrier family 39 member 14; plus strand). Cytogenetic location: 8p21.3.
Variant type: single nucleotide variant.
Coding change: c.58G>T on transcript NM_001128431.4 (MANE Select); coding-DNA position 58, G replaced by T.
Protein change: p.Gly20Cys; replaces glycine 20 with cysteine.
Molecular consequence: missense variant.
Genome position (GRCh38, 1-based): chr8:22,404,768, G>T. VCF-style: chr8-22404768-G-T. GRCh37 (hg19) VCF-style: chr8-22262281-G-T.
Other names: c.58G>T, p.Gly20Cys (NM_001135153.3, NM_001135154.3, NM_001351655.2 and 3 more transcripts); c.88G>T, p.Gly30Cys (NM_001351657.2, NM_001351658.2, NM_001351659.2); short protein forms G30C, G20C.
Identifiers: ClinVar variation 1509926 (VCV001509926.6), dbSNP rs183988980, ClinGen allele CA4667216.

ClinVar aggregate classification (germline): Uncertain significance (1 of 4 stars; one submission).

Allele frequency attached by ClinVar (database versions not stated): TOPMed below 0.00001; ExAC 0.00001; gnomAD 0.00001; gnomAD exomes 0.00001; 1000 Genomes Project 30x 0.00016; 1000 Genomes Project 0.00020.
gnomAD v4.1: 14 of 1,613,874 alleles (0.00087%); highest among the groups gnomAD compares: East Asian, 0.029%; 1 homozygote.

Submission:

Labcorp Genetics (formerly Invitae), Labcorp
Classification: Uncertain significance. Last evaluated: 2024-02-17. Review status: criteria provided, single submitter. Criteria: Invitae Variant Classification Sherloc (09022015). Collection method: clinical testing. Allele origin: germline.
Comment: This sequence change replaces glycine, which is neutral and non-polar, with cysteine, which is neutral and slightly polar, at codon 20 of the SLC39A14 protein (p.Gly20Cys). The frequency data for this variant in the population databases is considered unreliable, as metrics indicate poor data quality at this position in the gnomAD database. This variant has not been reported in the literature in individuals affected with SLC39A14-related conditions. ClinVar contains an entry for this variant (Variation ID: 1509926). Algorithms developed to predict the effect of missense changes on protein structure and function output the following: SIFT: "Not Available"; PolyPhen-2: "Benign"; Align-GVGD: "Not Available". The cysteine amino acid residue is found in multiple mammalian species, which suggests that this missense change does not adversely affect protein function. In summary, the available evidence is currently insufficient to determine the role of this variant in disease. Therefore, it has been classified as a Variant of Uncertain Significance.